The following is an entry in ClinVar:

NM_000245.4(MET):c.3351C>T (p.Asp1117=)

Gene: MET (MET proto-oncogene, receptor tyrosine kinase; plus strand). Cytogenetic location: 7q31.2.
Variant type: single nucleotide variant.
Coding change: c.3351C>T on transcript NM_000245.4 (MANE Select); coding-DNA position 3351, C replaced by T.
Protein change: p.Asp1117=; no amino-acid change (aspartic acid 1117 retained).
Molecular consequence: synonymous variant.
Genome position (GRCh38, 1-based): chr7:116,778,786, C>T. VCF-style: chr7-116778786-C-T. GRCh37 (hg19) VCF-style: chr7-116418840-C-T.
Other names: c.3405C>T, p.Asp1135= (NM_001127500.3); c.2061C>T, p.Asp687= (NM_001324402.2).
Identifiers: ClinVar variation 3773090 (VCV003773090.1).
Genomic context (GRCh38, chr7:116,778,786, plus strand): 5'-TATTCACTGTTCCATAATGAAGTTAATGTCTCCACCACTGGATTTCTCAGGAATCACTGA[C>T]ATAGGAGAAGTTTCCCAATTTCTGACCGAGGGAATCATCATGAAAGATTTTAGTCATCCC-3'
Protein context (NP_000236.2, residues 1107-1127): CAVKSLNRIT[Asp1117=]IGEVSQFLTE

ClinVar aggregate classification (germline): Benign (1 of 4 stars; one submission).

Conditions:
Papillary renal cell carcinoma type 1 (RCCP1). Also called: Renal adenocarcinoma; Renal cell carcinoma 1; Renal cell carcinoma, somatic; RENAL CELL CARCINOMA, PAPILLARY, 1, SOMATIC. Identifiers: Orphanet 47044, MedGen C1336839, OMIM 605074, HP:0011797.

Submission:

Myriad Genetics, Inc.
Classification: Benign for Papillary renal cell carcinoma type 1. Last evaluated: 2024-11-13. Review status: criteria provided, single submitter. Criteria: Myriad Autosomal Dominant, Autosomal Recessive and X-Linked Classification Criteria (2023). Collection method: clinical testing. Allele origin: unknown.
Comment: This variant is considered benign. This variant is a silent/synonymous amino acid change and it is not expected to impact splicing.